The following is an entry in ClinVar:

NM_000320.3(QDPR):c.105G>C (p.Trp35Cys)

Genes: QDPR (quinoid dihydropteridine reductase; minus strand), LOC129992304 (ATAC-STARR-seq lymphoblastoid silent region 15310; plus strand). Cytogenetic location: 4p15.32.
Variant type: single nucleotide variant.
Coding change: c.105G>C on transcript NM_000320.3 (MANE Select); coding-DNA position 105, G replaced by C.
Protein change: p.Trp35Cys; replaces tryptophan 35 with cysteine.
Molecular consequence: missense variant. On other transcripts: non-coding transcript variant (1).
Genome position (GRCh38, 1-based): chr4:17,511,950, C>G on the plus strand (G>C on the coding strand, the complement: QDPR is on the minus strand). VCF-style: chr4-17511950-C-G. GRCh37 (hg19) VCF-style: chr4-17513573-C-G.
Other names: c.105G>C, p.Trp35Cys (NM_001306140.2); short protein forms W35C.
Identifiers: ClinVar variation 2780038 (VCV002780038.3), dbSNP rs2474684351, ClinGen allele CA356454274.

ClinVar aggregate classification (germline): Likely pathogenic (1 of 4 stars; one submission).

Conditions:
Dihydropteridine reductase deficiency (HPABH4C). Also called: BH4-Deficient Hyperphenylalaninemia C; HYPERPHENYLALANINEMIA, TETRAHYDROBIOPTERIN-DEFICIENT, DUE TO DHPR DEFICIENCY; QDPR DEFICIENCY; QUINOID DIHYDROPTERIDINE REDUCTASE DEFICIENCY; Phenylketonuria II; Hyperphenylalaninemia due to dihydropteridine reductase deficiency. Identifiers: Orphanet 226, Orphanet 238583, MedGen C0268465, MONDO:0009862, OMIM 261630.

Submission:

Labcorp Genetics (formerly Invitae), Labcorp
Classification: Likely pathogenic for Dihydropteridine reductase deficiency. Last evaluated: 2023-01-25. Review status: criteria provided, single submitter. Criteria: Invitae Variant Classification Sherloc (09022015). Collection method: clinical testing. Allele origin: germline.
Comment: In summary, the currently available evidence indicates that the variant is pathogenic, but additional data are needed to prove that conclusively. Therefore, this variant has been classified as Likely Pathogenic. Variants that disrupt the consensus splice site are a relatively common cause of aberrant splicing (PMID: 17576681, 9536098). Algorithms developed to predict the effect of sequence changes on RNA splicing suggest that this variant may disrupt the consensus splice site. Algorithms developed to predict the effect of missense changes on protein structure and function are either unavailable or do not agree on the potential impact of this missense change (SIFT: "Deleterious"; PolyPhen-2: "Benign"; Align-GVGD: "Class C0"). This missense change has been observed in individual(s) with tetrahydrobiopterin deficiency (PMID: 33977029). This variant is not present in population databases (gnomAD no frequency). This sequence change replaces tryptophan, which is neutral and slightly polar, with cysteine, which is neutral and slightly polar, at codon 35 of the QDPR protein (p.Trp35Cys). This variant also falls at the last nucleotide of exon 1, which is part of the consensus splice site for this exon.

Literature cited by the submitters: PubMed 17576681; PubMed 9536098; PubMed 33977029.